The following is an entry in ClinVar:

ClinVar aggregate classification (germline): Likely pathogenic (1 of 4 stars; one submission).

Conditions:
Tibial muscular dystrophy (TMD). Also called: UDD MYOPATHY; Udd Distal Myopathy – Tibial Muscular Dystrophy; Tibial muscular dystrophy, tardive. Identifiers: Orphanet 609, MedGen C1838244, MONDO:0010870, OMIM 600334.

Submission:

Centre for Mendelian Genomics, University Medical Centre Ljubljana
Classification: Likely pathogenic for Tibial muscular dystrophy. Last evaluated: 2016-01-01. Review status: criteria provided, single submitter. Criteria: ACMG Guidelines, 2015. Collection method: clinical testing. Allele origin: unknown. Affected: yes.
Comment: This variant was classified as: Likely pathogenic. The following ACMG criteria were applied in classifying this variant: PVS1,PM4.

NM_001267550.2(TTN):c.79599_79621del (p.Glu26533fs)

Genes: TTN (titin; minus strand), TTN-AS1 (TTN antisense RNA 1; plus strand). Cytogenetic location: 2q31.2.
Variant type: Deletion.
Coding change: c.79599_79621del on transcript NM_001267550.2 (MANE Select); coding-DNA positions 79599 to 79621, 23 bases deleted (ATGGCAAATAGTTACTCCACAGA).
Protein change: p.Glu26533fs; shifts the reading frame from glutamic acid 26533.
Molecular consequence: frameshift variant.
Genome position (GRCh38, 1-based): chr2:178,566,511-178,566,533, TCTGTGGAGTAACTATTTGCCAT deleted on the plus strand (ATGGCAAATAGTTACTCCACAGA on the coding strand, the reverse complement: TTN is on the minus strand); deleting any 23 consecutive bases within chr2:178,566,511-178,566,536 gives the same sequence; the c. name uses the placement nearest the transcript's 3' end. VCF-style (leftmost placement, unchanged base first): chr2-178566510-GTCTGTGGAGTAACTATTTGCCAT-G. GRCh37 (hg19) VCF-style: chr2-179431237-GTCTGTGGAGTAACTATTTGCCAT-G.
Other names: c.74676_74698del, p.Glu24892fs (NM_001256850.1); c.52404_52426del, p.Glu17468fs (NM_003319.4); c.71895_71917del, p.Glu23965fs (NM_133378.4); c.52779_52801del, p.Glu17593fs (NM_133432.3); c.52980_53002del, p.Glu17660fs (NM_133437.4); short protein forms E17660fs, E23965fs, E24892fs, E17468fs, E26533fs, E17593fs.
Identifiers: ClinVar variation 932043 (VCV000932043.3), dbSNP rs1312613088, ClinGen allele CA538435320.